The following is an entry in ClinVar:

ClinVar aggregate classification (germline): Pathogenic. Review status: criteria provided, multiple submitters, no conflicts (2 of 4 stars). 2 submissions from 2 submitters: Pathogenic (2). Last evaluated 2025-07-28.

Conditions:
Hereditary spastic paraplegia 11. Also called: SPASTIC PARAPLEGIA, AUTOSOMAL RECESSIVE, COMPLICATED, WITH THIN CORPUS CALLOSUM; SPASTIC PARAPLEGIA, AUTOSOMAL RECESSIVE, WITH MENTAL IMPAIRMENT AND THIN CORPUS CALLOSUM; Spastic Paraplegia 11; Spastic paraplegia, mental retardation and thin corpus callosum; Nakamura Osame syndrome; Autosomal recessive hereditary spastic paraplegia, mental impairment, and thin corpus callosum. Identifiers: Orphanet 2822, MedGen C1858479, MONDO:0011445, OMIM 604360.

Submissions (2):

3billion
Classification: Pathogenic for Hereditary spastic paraplegia 11. Last evaluated: 2025-07-28. Review status: criteria provided, single submitter. Criteria: ACMG Guidelines, 2015. Collection method: clinical testing. Allele origin: germline. Affected: yes.
Comment: The variant is observed at an extremely low frequency in the gnomAD v4.1.0 dataset (total allele frequency: <0.001%). Predicted Consequence/Location: Stop-gained (nonsense): predicted to result in a loss or disruption of normal protein function through nonsense-mediated decay (NMD) or protein truncation. Multiple pathogenic variants are reported downstream of the variant. The variant has been reported to be associated with SPG11-related disorder (ClinVar ID: VCV000946558). Therefore, this variant is classified as Pathogenic according to the recommendation of ACMG/AMP guideline.

Labcorp Genetics (formerly Invitae), Labcorp
Classification: Pathogenic for Hereditary spastic paraplegia 11. Last evaluated: 2023-11-03. Review status: criteria provided, single submitter. Criteria: Invitae Variant Classification Sherloc (09022015). Collection method: clinical testing. Allele origin: germline.
Comment: This sequence change creates a premature translational stop signal (p.Ser1138*) in the SPG11 gene. It is expected to result in an absent or disrupted protein product. Loss-of-function variants in SPG11 are known to be pathogenic (PMID: 19105190, 20110243, 22154821, 26556829). This variant is present in population databases (no rsID available, gnomAD 0.003%). This premature translational stop signal has been observed in individual(s) with SPG11-related conditions (Invitae). ClinVar contains an entry for this variant (Variation ID: 946558). For these reasons, this variant has been classified as Pathogenic.

Literature cited by the submitters: PubMed 19105190 (cited by Labcorp Genetics (formerly Invitae), Labcorp); PubMed 20110243 (cited by Labcorp Genetics (formerly Invitae), Labcorp); PubMed 22154821 (cited by Labcorp Genetics (formerly Invitae), Labcorp); PubMed 26556829 (cited by Labcorp Genetics (formerly Invitae), Labcorp).

NM_025137.4(SPG11):c.3410dup (p.Pro1137_Ser1138insTer)

Gene: SPG11 (SPG11 vesicle trafficking associated, spatacsin; minus strand). Cytogenetic location: 15q21.1.
Variant type: Duplication.
Coding change: c.3410dup on transcript NM_025137.4 (MANE Select); coding-DNA position 3410, one base duplicated (C; older notation c.3410dupC).
Protein change: p.Pro1137_Ser1138insTer.
Molecular consequence: frameshift variant.
Genome position (GRCh38, 1-based): chr15:44,608,487, G duplicated on the plus strand (C on the coding strand, the reverse complement: SPG11 is on the minus strand); the first of 2 consecutive G bases (chr15:44,608,487-44,608,488); duplicating either gives the same sequence. VCF-style (leftmost placement, unchanged base first): chr15-44608486-A-AG. GRCh37 (hg19) VCF-style: chr15-44900684-A-AG.
Other names: c.3410dup, p.Pro1137_Ser1138insTer (NM_001160227.2).
Identifiers: ClinVar variation 946558 (VCV000946558.10), dbSNP rs1470512931, ClinGen allele CA618006186.